The following is an entry in ClinVar:

ClinVar aggregate classification (germline): Uncertain significance (1 of 4 stars; one submission).

Submission:

CeGaT Center for Human Genetics Tuebingen
Classification: Uncertain significance. Last evaluated: 2022-11-01. Review status: criteria provided, single submitter. Criteria: CeGaT Center For Human Genetics Tuebingen Variant Classification Criteria Version 2. Collection method: clinical testing. Allele origin: germline. Affected: yes. Observed: 1 variant allele.
Comment: TANC1: PM2, BP4

NM_033394.3(TANC1):c.4937G>A (p.Gly1646Asp)

Gene: TANC1 (tetratricopeptide repeat, ankyrin repeat and coiled-coil containing 1; plus strand). Cytogenetic location: 2q24.2.
Variant type: single nucleotide variant.
Coding change: c.4937G>A on transcript NM_033394.3 (MANE Select); coding-DNA position 4937, G replaced by A.
Protein change: p.Gly1646Asp; replaces glycine 1646 with aspartic acid.
Molecular consequence: missense variant. On other transcripts: 3 prime UTR variant (1).
Genome position (GRCh38, 1-based): chr2:159,230,363, G>A. VCF-style: chr2-159230363-G-A. GRCh37 (hg19) VCF-style: chr2-160086874-G-A.
Other names: c.*745G>A (NM_001145909.2); c.4334G>A, p.Gly1445Asp (NM_001350062.2); c.4568G>A, p.Gly1523Asp (NM_001350063.2); c.4916G>A, p.Gly1639Asp (NM_001350064.2, NM_001350065.2); short protein forms G1445D, G1523D, G1639D, G1646D.
Identifiers: ClinVar variation 2651456 (VCV002651456.24), dbSNP rs2470205590, ClinGen allele CA348927751.
Genomic context (GRCh38, chr2:159,230,363, plus strand): 5'-CCACAGAGAGGCTTCTGTCTCATTCCTCCGTGGCTGTGGACGCAGCCCCTCCAAACCAAG[G>A]TGGGCTGGCGACCTGCAGCGACGTGCGACACCCAGCTTCCCTCACCAGCTCAGGCTCTTC-3'
Protein context (NP_203752.2, residues 1636-1656): VAVDAAPPNQ[Gly1646Asp]GLATCSDVRH